The following is an entry in ClinVar:

ClinVar aggregate classification (germline): Uncertain significance (1 of 4 stars; one submission).

Conditions:
Immunodeficiency 51 (IMD51). Also called: CANDIDIASIS, FAMILIAL, 5. Identifiers: Orphanet 1334, MedGen C4310803, MONDO:0013500, OMIM 613953.

Allele frequency attached by ClinVar (database versions not stated): TOPMed below 0.00001.
gnomAD v4.1: 2 of 1,595,422 alleles (0.00013%); highest among the groups gnomAD compares: Non-Finnish European, 0.00017%; no homozygotes.

Submission:

Labcorp Genetics (formerly Invitae), Labcorp
Classification: Uncertain significance for Immunodeficiency 51. Last evaluated: 2021-08-27. Review status: criteria provided, single submitter. Criteria: Invitae Variant Classification Sherloc (09022015). Collection method: clinical testing. Allele origin: germline.
Comment: This sequence change replaces alanine with threonine at codon 711 of the IL17RA protein (p.Ala711Thr). The alanine residue is weakly conserved and there is a small physicochemical difference between alanine and threonine. This variant is not present in population databases (ExAC no frequency). This variant has not been reported in the literature in individuals affected with IL17RA-related conditions. Algorithms developed to predict the effect of missense changes on protein structure and function (SIFT, PolyPhen-2, Align-GVGD) all suggest that this variant is likely to be tolerated. In summary, the available evidence is currently insufficient to determine the role of this variant in disease. Therefore, it has been classified as a Variant of Uncertain Significance.

NM_014339.7(IL17RA):c.2131G>A (p.Ala711Thr)

Gene: IL17RA (interleukin 17 receptor A; plus strand). Cytogenetic location: 22q11.1.
Variant type: single nucleotide variant.
Coding change: c.2131G>A on transcript NM_014339.7 (MANE Select); coding-DNA position 2131, G replaced by A.
Protein change: p.Ala711Thr; replaces alanine 711 with threonine.
Molecular consequence: missense variant.
Genome position (GRCh38, 1-based): chr22:17,109,350, G>A. VCF-style: chr22-17109350-G-A. GRCh37 (hg19) VCF-style: chr22-17590240-G-A.
Other names: c.2029G>A, p.Ala677Thr (NM_001289905.2); short protein forms A711T, A677T.
Identifiers: ClinVar variation 850660 (VCV000850660.7), dbSNP rs1361983195, ClinGen allele CA410220859.